The following is an entry in ClinVar:

NM_006496.4(GNAI3):c.883A>G (p.Thr295Ala)

Gene: GNAI3 (G protein subunit alpha i3; plus strand). Cytogenetic location: 1p13.3.
Variant type: single nucleotide variant.
Coding change: c.883A>G on transcript NM_006496.4 (MANE Select); coding-DNA position 883, A replaced by G.
Protein change: p.Thr295Ala; replaces threonine 295 with alanine.
Molecular consequence: missense variant.
Genome position (GRCh38, 1-based): chr1:109,592,051, A>G. VCF-style: chr1-109592051-A-G. GRCh37 (hg19) VCF-style: chr1-110134673-A-G.
Other names: short protein forms T295A.
Identifiers: ClinVar variation 1700285 (VCV001700285.2), dbSNP rs112547520, ClinGen allele CA992168.
Genomic context (GRCh38, chr1:109,592,051, plus strand): 5'-AGTTCAGGCAGCTGTTACAATTTGAACTGAGAGTACTGGGTGTCCGTTTTAGGTTCCAAT[A>G]CATATGAAGAGGCAGCTGCCTATATTCAATGCCAGTTTGAAGATCTGAACAGAAGAAAAG-3'
Protein context (NP_006487.1, residues 285-305): ICYPEYTGSN[Thr295Ala]YEEAAAYIQC

ClinVar aggregate classification (germline): Uncertain significance (1 of 4 stars; one submission).

Allele frequency attached by ClinVar (database versions not stated): gnomAD exomes 0.00002 and 0.00004; ExAC 0.00003; ESP Exome Variant Server 0.00008; gnomAD 0.00017 and 0.00018; TOPMed 0.00021.
gnomAD v4.1: 63 of 1,606,758 alleles (0.0039%); highest among the groups gnomAD compares: African/African-American, 0.071%; no homozygotes.

Submission:

GeneDx
Classification: Uncertain significance. Last evaluated: 2022-02-03. Review status: criteria provided, single submitter. Criteria: GeneDx Variant Classification Process June 2021. Collection method: clinical testing. Allele origin: germline. Affected: yes.
Comment: In silico analysis supports that this missense variant has a deleterious effect on protein structure/function; Has not been previously published as pathogenic or benign to our knowledge